The following is an entry in ClinVar:

NM_003560.4(PLA2G6):c.901C>T (p.Arg301Cys)

Gene: PLA2G6 (phospholipase A2 group VI; minus strand). Cytogenetic location: 22q13.1.
Variant type: single nucleotide variant.
Coding change: c.901C>T on transcript NM_003560.4 (MANE Select); coding-DNA position 901, C replaced by T.
Protein change: p.Arg301Cys; replaces arginine 301 with cysteine.
Molecular consequence: missense variant.
Genome position (GRCh38, 1-based): chr22:38,133,007, G>A on the plus strand (C>T on the coding strand, the complement: PLA2G6 is on the minus strand). VCF-style: chr22-38133007-G-A. GRCh37 (hg19) VCF-style: chr22-38529014-G-A.
Other names: p.Arg301Cys; c.901C>T, p.Arg301Cys (NM_001004426.3, NM_001199562.3, NM_001349864.2 and 2 more transcripts); c.367C>T, p.Arg123Cys (NM_001349867.2, NM_001349869.2); c.223C>T, p.Arg75Cys (NM_001349868.2); short protein forms R75C, R123C, R301C.
Identifiers: ClinVar variation 809369 (VCV000809369.49), dbSNP rs367854265, ClinGen allele CA10231092.

ClinVar aggregate classification (germline): Uncertain significance. Review status: criteria provided, multiple submitters, no conflicts (2 of 4 stars). 7 submissions from 7 submitters: Uncertain significance (5). 2 of the submissions do not count toward it. Last evaluated 2025-10-03.

Conditions:
Infantile neuroaxonal dystrophy (NBIA2A). Also called: NEURODEGENERATION WITH BRAIN IRON ACCUMULATION 2A; Infantile neuroaxonal dystrophy 1; SEITELBERGER DISEASE. Identifiers: Orphanet 35069, MedGen C0270724, MONDO:0024457, OMIM 256600.
Autosomal recessive Parkinson disease 14. Also called: PARKINSON DISEASE 14; DYSTONIA-PARKINSONISM, ADULT-ONSET. Identifiers: Orphanet 199351, MedGen C2751842, MONDO:0013060, OMIM 612953.
Neurodegeneration with brain iron accumulation 2B. Also called: NEUROAXONAL DYSTROPHY, ATYPICAL; NEURODEGENERATION WITH BRAIN IRON ACCUMULATION, PLA2G6-RELATED; aNAD; atypical Neuroaxonal Dystrophy (aNAD). Identifiers: Orphanet 35069, MedGen C1857747, MONDO:0012444, OMIM 610217.

Allele frequency attached by ClinVar (database versions not stated): gnomAD 0.00006; TOPMed 0.00007; ESP Exome Variant Server 0.00008; ExAC 0.00017.
gnomAD v4.1: 211 of 1,562,822 alleles (0.014%); highest among the groups gnomAD compares: Non-Finnish European, 0.018%; no homozygotes.

Submissions (7):

Mayo Clinic Laboratories, Mayo Clinic
Classification: Uncertain significance. Last evaluated: 2025-10-03. Review status: criteria provided, single submitter. Criteria: ACMG Guidelines, 2015. Collection method: clinical testing. Allele origin: germline. Observed: 1 variant allele.
Comment: PM2_supporting

CeGaT Center for Human Genetics Tuebingen
Classification: Uncertain significance. Last evaluated: 2023-12-01. Review status: criteria provided, single submitter. Criteria: CeGaT Center For Human Genetics Tuebingen Variant Classification Criteria Version 2. Collection method: clinical testing. Allele origin: germline. Affected: yes. Observed: 2 variant alleles.
Comment: PLA2G6: PM5

Labcorp Genetics (formerly Invitae), Labcorp
Classification: Uncertain significance for Infantile neuroaxonal dystrophy. Last evaluated: 2022-10-06. Review status: criteria provided, single submitter. Criteria: Invitae Variant Classification Sherloc (09022015). Collection method: clinical testing. Allele origin: germline.
Comment: This sequence change replaces arginine, which is basic and polar, with cysteine, which is neutral and slightly polar, at codon 301 of the PLA2G6 protein (p.Arg301Cys). This variant is present in population databases (rs367854265, gnomAD 0.01%). This missense change has been observed in individual(s) with clinical features of PLA2G6-related conditions (PMID: 21368765, 32771225). ClinVar contains an entry for this variant (Variation ID: 809369). Algorithms developed to predict the effect of missense changes on protein structure and function output the following: SIFT: "Deleterious"; PolyPhen-2: "Benign"; Align-GVGD: "Class C25". The cysteine amino acid residue is found in multiple mammalian species, which suggests that this missense change does not adversely affect protein function. In summary, the available evidence is currently insufficient to determine the role of this variant in disease. Therefore, it has been classified as a Variant of Uncertain Significance.

Fulgent Genetics
Classification: Uncertain significance for Infantile neuroaxonal dystrophy; Neurodegeneration with brain iron accumulation 2B; Autosomal recessive Parkinson disease 14. Last evaluated: 2021-08-17. Review status: criteria provided, single submitter. Criteria: ACMG Guidelines, 2015. Collection method: clinical testing. Allele origin: unknown.

GeneDx
Classification: Uncertain significance. Last evaluated: 2021-01-05. Review status: criteria provided, single submitter. Criteria: GeneDx Variant Classification Process June 2021. Collection method: clinical testing. Allele origin: germline. Affected: yes.
Comment: In silico analysis, which includes protein predictors and evolutionary conservation, supports a deleterious effect; This variant is associated with the following publications: (PMID: 32771225, 30065071, 23182313, 22213678, 21368765)

Clinical Genetics DNA and cytogenetics Diagnostics Lab, Erasmus MC, Erasmus Medical Center
Classification: Uncertain significance. Review status: no assertion criteria provided. Collection method: clinical testing. Allele origin: germline. Affected: yes. Study: VKGL Data-share Consensus. Not counted in ClinVar's aggregate classification.

Diagnostic Laboratory, Department of Genetics, University Medical Center Groningen
Classification: Uncertain significance. Review status: no assertion criteria provided. Collection method: clinical testing. Allele origin: germline. Affected: yes. Study: VKGL Data-share Consensus. Not counted in ClinVar's aggregate classification.

Literature cited by the submitters: PubMed 21368765 (cited by Mayo Clinic Laboratories, Mayo Clinic and Labcorp Genetics (formerly Invitae), Labcorp); PubMed 22213678 (cited by Mayo Clinic Laboratories, Mayo Clinic); PubMed 23182313 (cited by Mayo Clinic Laboratories, Mayo Clinic); PubMed 32771225 (cited by Mayo Clinic Laboratories, Mayo Clinic and Labcorp Genetics (formerly Invitae), Labcorp).